The following is an entry in ClinVar:

ClinVar aggregate classification (germline): Benign/Likely benign. Review status: criteria provided, multiple submitters, no conflicts (2 of 4 stars). 3 submissions from 3 submitters: Benign (1); Likely benign (1). 1 of the submissions does not count toward it. Last evaluated 2025-10-01.

Conditions:
HERC1-related disorder. Also called: HERC1-related condition.

Allele frequency attached by ClinVar (database versions not stated): gnomAD exomes 0.00004; gnomAD 0.00006; ExAC 0.00015; 1000 Genomes Project 30x 0.00078; 1000 Genomes Project 0.00080.

Submissions (3):

CeGaT Center for Human Genetics Tuebingen
Classification: Likely benign. Last evaluated: 2025-10-01. Review status: criteria provided, single submitter. Criteria: CeGaT Center For Human Genetics Tuebingen Variant Classification Criteria Version 2. Collection method: clinical testing. Allele origin: germline. Affected: yes. Observed: 1 variant allele.
Comment: HERC1: BP4, BP7

Labcorp Genetics (formerly Invitae), Labcorp
Classification: Benign. Last evaluated: 2025-06-11. Review status: criteria provided, single submitter. Criteria: Invitae Variant Classification Sherloc (09022015). Collection method: clinical testing. Allele origin: germline.

PreventionGenetics, part of Exact Sciences
Classification: Likely benign for HERC1-related condition. Last evaluated: 2019-03-20. Review status: no assertion criteria provided. Collection method: clinical testing. Allele origin: germline. Not counted in ClinVar's aggregate classification.
Comment: This variant is classified as likely benign based on ACMG/AMP sequence variant interpretation guidelines (Richards et al. 2015 PMID: 25741868, with internal and published modifications).

NM_003922.4(HERC1):c.9216G>A (p.Val3072=)

Gene: HERC1 (HECT and RLD domain containing E3 ubiquitin protein ligase family member 1; minus strand). Cytogenetic location: 15q22.31.
Variant type: single nucleotide variant.
Coding change: c.9216G>A on transcript NM_003922.4 (MANE Select); coding-DNA position 9216, G replaced by A.
Protein change: p.Val3072=; no amino-acid change (valine 3072 retained).
Molecular consequence: synonymous variant.
Genome position (GRCh38, 1-based): chr15:63,660,980, C>T on the plus strand (G>A on the coding strand, the complement: HERC1 is on the minus strand). VCF-style: chr15-63660980-C-T. GRCh37 (hg19) VCF-style: chr15-63953179-C-T.
Other names: c.9216G>A (NM_003922.3).
Identifiers: ClinVar variation 2716464 (VCV002716464.11), dbSNP rs193258409, ClinGen allele CA7604774.